The following is an entry in ClinVar:

ClinVar aggregate classification (germline): Benign. Review status: criteria provided, multiple submitters, no conflicts (2 of 4 stars). 4 submissions from 3 submitters: Benign (4). Last evaluated 2021-09-05.

Conditions:
Dilated cardiomyopathy 1KK (CMD1KK). Identifiers: Orphanet 154, Orphanet 75249, MedGen C3714995, MONDO:0014100, OMIM 615248.
MYPN-related myopathy (CMYO24). Also called: Nemaline myopathy 11, autosomal recessive. Identifiers: MedGen C4479186, MONDO:0015023, OMIM 617336.

Allele frequency attached by ClinVar (database versions not stated): 1000 Genomes Project 0.53814; 1000 Genomes Project 30x 0.53888; TOPMed 0.62687; gnomAD 0.64484 and 0.64847; ESP Exome Variant Server 0.64924; ExAC 0.67292; gnomAD exomes 0.67869 and 0.72698.
gnomAD v4.1: 1,154,126 of 1,607,730 alleles (72%); highest among the groups gnomAD compares: Non-Finnish European, 75%; 421,801 homozygotes.

Submissions (4):

Genome-Nilou Lab
Classification: Benign for Dilated cardiomyopathy 1KK. Last evaluated: 2021-09-05. Review status: criteria provided, single submitter. Criteria: ACMG Guidelines, 2015. Collection method: clinical testing. Allele origin: germline. Affected: no.

Genome-Nilou Lab
Classification: Benign for MYPN-related myopathy. Last evaluated: 2021-09-05. Review status: criteria provided, single submitter. Criteria: ACMG Guidelines, 2015. Collection method: clinical testing. Allele origin: germline. Affected: no.

GeneDx
Classification: Benign. Last evaluated: 2018-06-14. Review status: criteria provided, single submitter. Criteria: GeneDx Variant Classification (06012015). Collection method: clinical testing. Allele origin: germline. Affected: yes.
Comment: This variant is considered likely benign or benign based on one or more of the following criteria: it is a conservative change, it occurs at a poorly conserved position in the protein, it is predicted to be benign by multiple in silico algorithms, and/or has population frequency not consistent with disease.

Breakthrough Genomics
Classification: Benign. Review status: criteria provided, single submitter. Criteria: ACMG Guidelines, 2015. Collection method: not provided. Allele origin: germline. Inheritance: Autosomal recessive inheritance. Affected: yes.

NM_032578.4(MYPN):c.3286-28G>T

Gene: MYPN (myopalladin; plus strand). Cytogenetic location: 10q21.3.
Variant type: single nucleotide variant.
Coding change: c.3286-28G>T on transcript NM_032578.4 (MANE Select); 28 bases into the intron before coding-DNA position 3286, G replaced by T.
Molecular consequence: intron variant.
Genome position (GRCh38, 1-based): chr10:68,199,340, G>T. VCF-style: chr10-68199340-G-T. GRCh37 (hg19) VCF-style: chr10-69959097-G-T.
Other names: c.3286-28G>T (NM_001256267.2); c.2404-28G>T (NM_001256268.2).
Identifiers: ClinVar variation 671151 (VCV000671151.4), dbSNP rs7079549, ClinGen allele CA5523011.